The following is an entry in ClinVar:

NM_003285.3(TNR):c.1728C>T (p.Ala576=)

Gene: TNR (tenascin R; minus strand). Cytogenetic location: 1q25.1.
Variant type: single nucleotide variant.
Coding change: c.1728C>T on transcript NM_003285.3 (MANE Select); coding-DNA position 1728, C replaced by T.
Protein change: p.Ala576=; no amino-acid change (alanine 576 retained).
Molecular consequence: synonymous variant.
Genome position (GRCh38, 1-based): chr1:175,386,081, G>A on the plus strand (C>T on the coding strand, the complement: TNR is on the minus strand). VCF-style: chr1-175386081-G-A. GRCh37 (hg19) VCF-style: chr1-175355217-G-A.
Other names: c.729C>T, p.Ala243= (NM_001328635.2).
Identifiers: ClinVar variation 722312 (VCV000722312.9), dbSNP rs144742450, ClinGen allele CA1255859.
Genomic context (GRCh38, chr1:175,386,081, plus strand): 5'-CGCAGCCTTACCTGTTGTGAACTGAGTGGTGGCAGAATCGCTCTCGTTGGTCCCTCGGAC[G>A]GCACTGACTGACACCTCGTATCGGGAGCCAGGCCGCAGGGCCTGCACTGAGTATTGGCTC-3'
Protein context (NP_003276.3, residues 566-586): PGSRYEVSVS[Ala576=]VRGTNESDSA

ClinVar aggregate classification (germline): Benign/Likely benign. Review status: criteria provided, multiple submitters, no conflicts (2 of 4 stars). 2 submissions from 2 submitters: Benign (1); Likely benign (1). Last evaluated 2025-12-01.

Allele frequency attached by ClinVar (database versions not stated): TOPMed 0.00025; gnomAD 0.00026; ExAC 0.00035; gnomAD exomes 0.00042; 1000 Genomes Project 30x 0.00203; 1000 Genomes Project 0.00240.
gnomAD v4.1: 213 of 1,610,314 alleles (0.013%); highest among the groups gnomAD compares: East Asian, 0.27%; 1 homozygote.

Submissions (2):

CeGaT Center for Human Genetics Tuebingen
Classification: Likely benign. Last evaluated: 2025-12-01. Review status: criteria provided, single submitter. Criteria: CeGaT Center For Human Genetics Tuebingen Variant Classification Criteria Version 2. Collection method: clinical testing. Allele origin: germline. Affected: yes. Observed: 1 variant allele.
Comment: TNR: BP4, BP7

Labcorp Genetics (formerly Invitae), Labcorp
Classification: Benign. Last evaluated: 2019-12-31. Review status: criteria provided, single submitter. Criteria: Invitae Variant Classification Sherloc (09022015). Collection method: clinical testing. Allele origin: germline.